The following is an entry in ClinVar:

ClinVar aggregate classification (germline): Uncertain significance. Review status: criteria provided, multiple submitters, no conflicts (2 of 4 stars). 2 submissions from 2 submitters: Uncertain significance (2). Last evaluated 2022-02-24.

Conditions:
Joubert syndrome 3 (JBTS3). Also called: AHI1-related Ciliopathy. Identifiers: Orphanet 220493, MedGen C1837713, MONDO:0012078, OMIM 608629.
Joubert syndrome. Also called: Familial aplasia of the vermis; CEREBELLOPARENCHYMAL DISORDER IV; JOUBERT-BOLTSHAUSER SYNDROME. Identifiers: Orphanet 475, MedGen C5979921, MONDO:0018772.

Allele frequency attached by ClinVar (database versions not stated): gnomAD exomes below 0.00001.
gnomAD v4.1: 5 of 1,595,962 alleles (0.00031%); highest among the groups gnomAD compares: Non-Finnish European, 0.00043%; no homozygotes.

Submissions (2):

Labcorp Genetics (formerly Invitae), Labcorp
Classification: Uncertain significance for Joubert syndrome. Last evaluated: 2022-02-24. Review status: criteria provided, single submitter. Criteria: Invitae Variant Classification Sherloc (09022015). Collection method: clinical testing. Allele origin: germline.
Comment: This sequence change falls in intron 12 of the AHI1 gene. It does not directly change the encoded amino acid sequence of the AHI1 protein. It affects a nucleotide within the consensus splice site. This variant is not present in population databases (gnomAD no frequency). This variant has not been reported in the literature in individuals affected with AHI1-related conditions. ClinVar contains an entry for this variant (Variation ID: 905887). Variants that disrupt the consensus splice site are a relatively common cause of aberrant splicing (PMID: 17576681, 9536098). Algorithms developed to predict the effect of sequence changes on RNA splicing suggest that this variant may disrupt the consensus splice site. In summary, the available evidence is currently insufficient to determine the role of this variant in disease. Therefore, it has been classified as a Variant of Uncertain Significance.

Illumina Laboratory Services, Illumina
Classification: Uncertain significance for Joubert syndrome 3. Last evaluated: 2018-01-12. Review status: criteria provided, single submitter. Criteria: ICSL Variant Classification Criteria 13 December 2019. Collection method: clinical testing. Allele origin: germline.

Literature cited by the submitters: PubMed 17576681 (cited by Labcorp Genetics (formerly Invitae), Labcorp); PubMed 9536098 (cited by Labcorp Genetics (formerly Invitae), Labcorp).

NM_001134831.2(AHI1):c.1780-3T>C

Gene: AHI1 (Abelson helper integration site 1; minus strand). Cytogenetic location: 6q23.3.
Variant type: single nucleotide variant.
Coding change: c.1780-3T>C on transcript NM_001134831.2 (MANE Select); 3 bases into the intron before coding-DNA position 1780, T replaced by C.
Molecular consequence: intron variant.
Genome position (GRCh38, 1-based): chr6:135,442,717, A>G on the plus strand (T>C on the coding strand, the complement: AHI1 is on the minus strand). VCF-style: chr6-135442717-A-G. GRCh37 (hg19) VCF-style: chr6-135763855-A-G.
Other names: c.1780-3T>C (NM_001134830.2, NM_001350503.2, NM_017651.5 and 2 more transcripts).
Identifiers: ClinVar variation 905887 (VCV000905887.7), dbSNP rs1786509189, ClinGen allele CA1139659833.
Genomic context (GRCh38, chr6:135,442,717, plus strand): 5'-AACATCCTCGTTCTCCTGCATTTAGTGAGAAGAGGTGTTTGTTTGGGATACGGCAAGCCT[A>G]AAAAACATACGTTTAAAAAATATAAATTAGCAAACATTAAAACGCGAAGGCTAGTTTTTA-3'